The following is an entry in ClinVar:

ClinVar aggregate classification (germline): Likely pathogenic (1 of 4 stars; one submission).

Conditions:
Familial hypobetalipoproteinemia 1. Also called: APOB-Related Familial Hypobetalipoproteinemia; Hypobetalipoproteinemia, normotriglyceridemic; Acanthocytosis with hypobetalipoproteinemia. Identifiers: MedGen C4551990, MONDO:0014252, OMIM 615558.
Hypercholesterolemia, autosomal dominant, type B (FHCL2). Also called: APOLIPOPROTEIN B-100, FAMILIAL DEFECTIVE; APOLIPOPROTEIN B-100, FAMILIAL LIGAND-DEFECTIVE; HYPERCHOLESTEROLEMIA, FAMILIAL, DUE TO LIGAND-DEFECTIVE APOLIPOPROTEIN B; Familial hypercholesterolemia 2; APOB-Related Familial Hypercholesterolemia, Autosomal Dominant; Familial Hypercholesterolemia Type B. Identifiers: MedGen C1704417, MONDO:0007751, OMIM 144010.

Submission:

Juno Genomics, Hangzhou Juno Genomics, Inc
Classification: Likely pathogenic for Hypercholesterolemia, autosomal dominant, type B; Familial hypobetalipoproteinemia 1. Review status: criteria provided, single submitter. Criteria: ACMG Guidelines, 2015. Collection method: clinical testing. Allele origin: germline.
Comment: Null variant in a gene where loss of function (LOF) is a known mechanism of disease.;Absent from controls (or at extremely low frequency if recessive) in Genome Aggregation Database.

NM_000384.3(APOB):c.6443dup (p.Tyr2149fs)

Gene: APOB (apolipoprotein B; minus strand). Cytogenetic location: 2p24.1.
Variant type: Duplication.
Coding change: c.6443dup on transcript NM_000384.3 (MANE Select); coding-DNA position 6443, one base duplicated (A; older notation c.6443dupA).
Protein change: p.Tyr2149fs; shifts the reading frame from tyrosine 2149.
Molecular consequence: frameshift variant.
Genome position (GRCh38, 1-based): chr2:21,010,425, T duplicated on the plus strand (A on the coding strand, the reverse complement: APOB is on the minus strand); the first of 6 consecutive T bases (chr2:21,010,425-21,010,430); duplicating any one gives the same sequence. VCF-style (leftmost placement, unchanged base first): chr2-21010424-C-CT. GRCh37 (hg19) VCF-style: chr2-21233296-C-CT.
Other names: short protein forms Y2149fs.
Identifiers: ClinVar variation 3382717 (VCV003382717.3).